The following is an entry in ClinVar:

NM_001374385.1(ATP8B1):c.3059T>C (p.Ile1020Thr)

Genes: ATP8B1 (ATPase phospholipid transporting 8B1; minus strand), ATP8B1-AS1 (ATP8B1 antisense RNA 1; plus strand). Cytogenetic location: 18q21.31.
Variant type: single nucleotide variant.
Coding change: c.3059T>C on transcript NM_001374385.1 (MANE Select); coding-DNA position 3059, T replaced by C.
Protein change: p.Ile1020Thr; replaces isoleucine 1020 with threonine.
Molecular consequence: missense variant.
Genome position (GRCh38, 1-based): chr18:57,652,686, A>G on the plus strand (T>C on the coding strand, the complement: ATP8B1 is on the minus strand). VCF-style: chr18-57652686-A-G. GRCh37 (hg19) VCF-style: chr18-55319918-A-G.
Other names: c.2909T>C, p.Ile970Thr (NM_001374386.1); c.3059T>C, p.Ile1020Thr (NM_005603.6); short protein forms I1020T, I970T.
Identifiers: ClinVar variation 286804 (VCV000286804.14), dbSNP rs199514707, ClinGen allele CA8974084.

ClinVar aggregate classification (germline): Uncertain significance. Review status: criteria provided, multiple submitters, no conflicts (2 of 4 stars). 4 submissions from 4 submitters: Uncertain significance (4). Last evaluated 2025-01-14.

Conditions:
Progressive familial intrahepatic cholestasis type 1. Also called: Severe ATP8B1 Deficiency (Progressive Familial Intrahepatic Cholestasis Type 1 [PFIC1]); BYLER DISEASE; Byler's disease. Identifiers: Orphanet 79306, MedGen C4551898, MONDO:0008892, OMIM 211600.
ATP8B1-related disorder. Also called: ATP8B1-related condition; ATP8B1-related disorders.
Inborn genetic diseases. Identifiers: MedGen C0950123, MeSH D030342.

Allele frequency attached by ClinVar (database versions not stated): gnomAD exomes 0.00002 and 0.00013; TOPMed 0.00006; ExAC 0.00013.
gnomAD v4.1: 40 of 1,614,028 alleles (0.0025%); highest among the groups gnomAD compares: Admixed American, 0.03%; no homozygotes.

Submissions (4):

PreventionGenetics, part of Exact Sciences
Classification: Uncertain significance for ATP8B1-related condition. Last evaluated: 2025-01-14. Review status: criteria provided, single submitter. Criteria: ACMG Guidelines, 2015. Collection method: clinical testing. Allele origin: germline.
Comment: The ATP8B1 c.3059T>C variant is predicted to result in the amino acid substitution p.Ile1020Thr. This variant was reported in an individual with intrahepatic cholestasis of pregnancy (Supplementary Table S3, Liu et al. 2022. PubMed ID: 36046230). This variant is reported in 0.049% of alleles in individuals of Latino descent in gnomAD. At this time, the clinical significance of this variant is uncertain due to the absence of conclusive functional and genetic evidence.

Ambry Genetics
Classification: Uncertain significance for Inborn genetic diseases. Last evaluated: 2023-05-31. Review status: criteria provided, single submitter. Criteria: Ambry Variant Classification Scheme 2023. Collection method: clinical testing. Allele origin: germline.

Illumina Laboratory Services, Illumina
Classification: Uncertain significance for Progressive familial intrahepatic cholestasis type 1. Last evaluated: 2018-01-13. Review status: criteria provided, single submitter. Criteria: ICSL Variant Classification Criteria 13 December 2019. Collection method: clinical testing. Allele origin: germline.

Eurofins Ntd Llc (ga)
Classification: Uncertain significance. Last evaluated: 2017-09-29. Review status: criteria provided, single submitter. Criteria: EGL Classification Definitions 2015. Collection method: clinical testing. Allele origin: germline. Observed: 3 variant alleles, 3 heterozygotes.